The following is an entry in ClinVar:

NM_001323289.2(CDKL5):c.397C>T (p.His133Tyr)

Gene: CDKL5 (cyclin dependent kinase like 5; plus strand). Cytogenetic location: Xp22.13.
Variant type: single nucleotide variant.
Coding change: c.397C>T on transcript NM_001323289.2 (MANE Select); coding-DNA position 397, C replaced by T.
Protein change: p.His133Tyr; replaces histidine 133 with tyrosine.
Molecular consequence: missense variant.
Genome position (GRCh38, 1-based): chrX:18,579,962, C>T. VCF-style: chrX-18579962-C-T. GRCh37 (hg19) VCF-style: chrX-18598082-C-T.
Other names: c.397C>T, p.His133Tyr (NM_001037343.2, NM_003159.3); short protein forms H133Y.
Identifiers: ClinVar variation 2941587 (VCV002941587.3), dbSNP rs2518849341, ClinGen allele CA412350411.

ClinVar aggregate classification (germline): Likely pathogenic (1 of 4 stars; one submission).

Conditions:
Developmental and epileptic encephalopathy, 2 (DEE2). Also called: INFANTILE SPASM SYNDROME, X-LINKED 2; CDKL5 deficiency disorder. Identifiers: Orphanet 1934, Orphanet 3451, Orphanet 505652, MedGen C4750718, MONDO:0010396, OMIM 300672.
Angelman syndrome-like. Identifiers: MedGen CN128785.

Submission:

Labcorp Genetics (formerly Invitae), Labcorp
Classification: Likely pathogenic for Developmental and epileptic encephalopathy, 2; Angelman syndrome-like. Last evaluated: 2022-11-15. Review status: criteria provided, single submitter. Criteria: Invitae Variant Classification Sherloc (09022015). Collection method: clinical testing. Allele origin: germline.
Comment: In summary, the currently available evidence indicates that the variant is pathogenic, but additional data are needed to prove that conclusively. Therefore, this variant has been classified as Likely Pathogenic. This variant disrupts the p.His133 amino acid residue in CDKL5. Other variant(s) that disrupt this residue have been determined to be pathogenic (PMID: 31171384). This suggests that this residue is clinically significant, and that variants that disrupt this residue are likely to be disease-causing. Advanced modeling of protein sequence and biophysical properties (such as structural, functional, and spatial information, amino acid conservation, physicochemical variation, residue mobility, and thermodynamic stability) performed at Invitae indicates that this missense variant is expected to disrupt CDKL5 protein function. This variant has not been reported in the literature in individuals affected with CDKL5-related conditions. This variant is not present in population databases (gnomAD no frequency). This sequence change replaces histidine, which is basic and polar, with tyrosine, which is neutral and polar, at codon 133 of the CDKL5 protein (p.His133Tyr).

Literature cited by the submitters: PubMed 31171384.